The following is an entry in ClinVar:

NM_000337.6(SGCD):c.699+61A>G

Gene: SGCD (sarcoglycan delta; plus strand). Cytogenetic location: 5q33.3.
Variant type: single nucleotide variant.
Coding change: c.699+61A>G on transcript NM_000337.6 (MANE Select); 61 bases into the intron after coding-DNA position 699, A replaced by G.
Molecular consequence: intron variant. On other transcripts: missense variant (1).
Genome position (GRCh38, 1-based): chr5:156,757,765, A>G. VCF-style: chr5-156757765-A-G. GRCh37 (hg19) VCF-style: chr5-156184776-A-G.
Other names: c.760A>G, p.Ile254Val (NM_172244.3); c.696+61A>G (NM_001128209.2); short protein forms I254V.
Identifiers: ClinVar variation 2498991 (VCV002498991.28), dbSNP rs753632932, ClinGen allele CA3530666.
Genomic context (GRCh38, chr5:156,757,765, plus strand): 5'-GTGAGGGATGAGAAGGACAGAAGTTCAAAGAGCTACAGCTTCAACAGGCCAACCCTTCCC[A>G]TAACTGGTTGACCTCGGAGTTGGATCCTACAGTGTATCAACAAAAGGAGCCAAGCAGGTT-3'

ClinVar aggregate classification (germline): Uncertain significance (1 of 4 stars; one submission).

Allele frequency attached by ClinVar (database versions not stated): gnomAD exomes below 0.00001; ExAC 0.00003.
gnomAD v4.1: 1 of 1,560,428 alleles (0.000064%); highest among the groups gnomAD compares: Non-Finnish European, 0.000087%; no homozygotes.

Submission:

CeGaT Center for Human Genetics Tuebingen
Classification: Uncertain significance. Last evaluated: 2024-08-01. Review status: criteria provided, single submitter. Criteria: CeGaT Center For Human Genetics Tuebingen Variant Classification Criteria Version 2. Collection method: clinical testing. Allele origin: germline. Affected: yes. Observed: 1 variant allele.
Comment: SGCD: PM2, BP4